The following is an entry in ClinVar:

ClinVar aggregate classification (germline): Uncertain significance (1 of 4 stars; one submission).

Submission:

GeneDx
Classification: Uncertain significance. Last evaluated: 2026-03-03. Review status: criteria provided, single submitter. Criteria: GeneDx Variant Classification Process June 2021. Collection method: clinical testing. Allele origin: germline.
Comment: Not observed at significant frequency in large population cohorts (gnomAD); In silico analysis supports that this missense variant has a deleterious effect on protein structure/function; Has not been previously published as pathogenic or benign to our knowledge

NM_001395002.1(MAP4K4):c.2414C>T (p.Pro805Leu)

Gene: MAP4K4 (mitogen-activated protein kinase kinase kinase kinase 4; plus strand). Cytogenetic location: 2q11.2.
Variant type: single nucleotide variant.
Coding change: c.2414C>T on transcript NM_001395002.1 (MANE Select); coding-DNA position 2414, C replaced by T.
Protein change: p.Pro805Leu; replaces proline 805 with leucine.
Molecular consequence: missense variant. On other transcripts: non-coding transcript variant (4).
Genome position (GRCh38, 1-based): chr2:101,867,269, C>T. VCF-style: chr2-101867269-C-T. GRCh37 (hg19) VCF-style: chr2-102483731-C-T.
Other names: c.2138C>T, p.Pro713Leu (NM_001384550.1); c.2063C>T, p.Pro688Leu (NM_001384551.1, NM_001384557.1); c.2222C>T, p.Pro741Leu (NM_001384552.1); c.2219C>T, p.Pro740Leu (NM_001384553.1, NM_001384562.1); c.2132C>T, p.Pro711Leu (NM_001384554.1, NM_001384558.1, NM_001384567.1); c.2225C>T, p.Pro742Leu (NM_001384555.1, NM_001384572.1); c.2216C>T, p.Pro739Leu (NM_001384556.1, NM_001384563.1); c.1898C>T, p.Pro633Leu (NM_001384559.1); and 19 more; short protein forms P642L, P665L, P697L, P741L, P751L, P773L, P633L, P643L.
Identifiers: ClinVar variation 5008213 (VCV005008213.1).